The following is an entry in ClinVar:

ClinVar aggregate classification (germline): Pathogenic (1 of 4 stars; one submission).

Submission:

Labcorp Genetics (formerly Invitae), Labcorp
Classification: Pathogenic. Last evaluated: 2023-06-05. Review status: criteria provided, single submitter. Criteria: Invitae Variant Classification Sherloc (09022015). Collection method: clinical testing. Allele origin: germline.
Comment: This variant has not been reported in the literature in individuals affected with TONSL-related conditions. This variant is not present in population databases (gnomAD no frequency). This sequence change creates a premature translational stop signal (p.Ser1130Phefs*53) in the TONSL gene. It is expected to result in an absent or disrupted protein product. Loss-of-function variants in TONSL are known to be pathogenic (PMID: 30773277). Algorithms developed to predict the effect of sequence changes on RNA splicing suggest that this variant may disrupt the consensus splice site. For these reasons, this variant has been classified as Pathogenic.

Literature cited by the submitters: PubMed 30773277.

NC_000008.11:g.144433758CT[1]

Gene: TONSL (tonsoku like, DNA repair protein; minus strand). Cytogenetic location: 8q24.3.
Variant type: Microsatellite.
Genome position: GRCh38 VCF-style: chr8-144433757-ACT-A. GRCh37 (hg19) VCF-style: chr8-145659140-ACT-A.
Identifiers: ClinVar variation 2875987 (VCV002875987.3), dbSNP rs2537480235, ClinGen allele CA2739269057.
Genomic context (GRCh38, chr8:144,433,757, plus strand): 5'-GGCCAGGGACTGGCCACAGCCGTCCCCCAGGGGGTTCATGCTTAAGTCCAGCTCCTCCAA[ACT>A]CTGTGGAAGACACAGGCTGGCAGTGAGCCCCCAGCAGTCCCACGGACAGGGTCCCCCTTG-3'